The following is an entry in ClinVar:

NM_000397.4(CYBB):c.1165G>A (p.Gly389Arg)

Gene: CYBB (cytochrome b-245 beta chain; plus strand). Cytogenetic location: Xp11.4.
Variant type: single nucleotide variant.
Coding change: c.1165G>A on transcript NM_000397.4 (MANE Select); coding-DNA position 1165, G replaced by A.
Protein change: p.Gly389Arg; replaces glycine 389 with arginine.
Molecular consequence: missense variant.
Genome position (GRCh38, 1-based): chrX:37,805,019, G>A. VCF-style: chrX-37805019-G-A. GRCh37 (hg19) VCF-style: chrX-37664272-G-A.
Other names: short protein forms G389R.
Identifiers: ClinVar variation 495862 (VCV000495862.2), dbSNP rs1556471150, ClinGen allele CA412977632.
Genomic context (GRCh38, chrX:37,805,019, plus strand): 5'-GAAGAGCAAGACATCTCTGTAACTATCTCCTCCCCATTTCCCTTCAGGATAGCGGTTGAT[G>A]GGCCCTTTGGCACTGCCAGTGAAGATGTGTTCAGCTATGAGGTGGTGATGTTAGTGGGAG-3'
Protein context (NP_000388.2, residues 379-399): AWKLPKIAVD[Gly389Arg]PFGTASEDVF

ClinVar aggregate classification (germline): Uncertain significance. Review status: criteria provided, single submitter (1 of 4 stars). 2 submissions from 2 submitters: Uncertain significance (1). 1 of the submissions does not count toward it. Last evaluated 2016-05-12.

Conditions:
Granulomatous disease, chronic, X-linked. Also called: CYTOCHROME b-NEGATIVE GRANULOMATOUS DISEASE, CHRONIC, X-LINKED; GRANULOMATOUS DISEASE, CHRONIC, X-LINKED, SOMATIC MOSAIC. Identifiers: Orphanet 379, MedGen C1844376, MONDO:0010600, OMIM 306400.

Submissions (2):

Women's Health and Genetics/Laboratory Corporation of America, LabCorp
Classification: Uncertain significance. Last evaluated: 2016-05-12. Review status: criteria provided, single submitter. Criteria: LabCorp Variant Classification Summary - May 2015. Collection method: clinical testing. Allele origin: germline.
Comment: Variant summary: The CYBB c.1165G>A (p.Gly389Arg) variant involves the alteration of a conserved nucleotide, resulting in a missense change from a non-polar Gly to a positively charged Arg residue. Gly389 is a highly conserved amino acid across species located in the dehydrogenase domain of the protein. This variant is located in a mutation hotspot since missense changes at this residue have been cited in multiple X-CGD patients, indicating that missense changes at this residue are not tolerated. 5/5 in silico tools predict a damaging outcome for this variant. Functional studies of other missense changes at Gly389 have been shown to abolish NADPH oxidase activity (Beaumel_Biochem Journal_2014). This variant was absent in 86756 control chromosomes, but has been cited in one patient in CYBB base. Because of the limited clinical information and the lack of functional studies on this particular missense variant, the variant was classified as a variant of uncertain significance (VUS)-possibly pathogenic until additional information becomes available.

Clinic of Clinical Immunology with Stem Cell Bank, Expert Centre for Rare Diseases - PID, University Hospital "Alexandrovska"
Classification: Likely pathogenic for Granulomatous disease, chronic, X-linked. Last evaluated: 2022-05-01. Review status: no assertion criteria provided. Collection method: clinical testing. Allele origin: germline. Affected: yes. Not counted in ClinVar's aggregate classification.

Literature cited by the submitters: PubMed 25252997 (cited by Women's Health and Genetics/Laboratory Corporation of America, LabCorp); PubMed 20729109 (cited by Women's Health and Genetics/Laboratory Corporation of America, LabCorp).